The following is an entry in ClinVar:

NM_020738.4(KIDINS220):c.208-2A>G

Gene: KIDINS220 (kinase D interacting substrate 220; minus strand). Cytogenetic location: 2p25.1.
Variant type: single nucleotide variant.
Coding change: c.208-2A>G on transcript NM_020738.4 (MANE Select); the canonical splice acceptor site of the intron before coding-DNA position 208, A replaced by G.
Molecular consequence: splice acceptor variant.
Genome position (GRCh38, 1-based): chr2:8,817,718, T>C on the plus strand (A>G on the coding strand, the complement: KIDINS220 is on the minus strand). VCF-style: chr2-8817718-T-C. GRCh37 (hg19) VCF-style: chr2-8957848-T-C.
Other names: c.208-2A>G (NM_001348741.2, NM_001348738.2, NM_001348739.2 and 9 more transcripts); c.82-2A>G (NM_001348736.2).
Identifiers: ClinVar variation 2993587 (VCV002993587.3), dbSNP rs1219040737, ClinGen allele CA345774765.

ClinVar aggregate classification (germline): Likely pathogenic (1 of 4 stars; one submission).

Allele frequency attached by ClinVar (database versions not stated): gnomAD exomes below 0.00001.
gnomAD v4.1: 3 of 1,579,624 alleles (0.00019%); highest among the groups gnomAD compares: Admixed American, 0.0036%; no homozygotes.

Submission:

Labcorp Genetics (formerly Invitae), Labcorp
Classification: Likely pathogenic. Last evaluated: 2022-11-26. Review status: criteria provided, single submitter. Criteria: Invitae Variant Classification Sherloc (09022015). Collection method: clinical testing. Allele origin: germline.
Comment: This sequence change affects an acceptor splice site in intron 3 of the KIDINS220 gene. It is expected to disrupt RNA splicing. Variants that disrupt the donor or acceptor splice site typically lead to a loss of protein function (PMID: 16199547), and loss-of-function variants in KIDINS220 are known to be pathogenic (PMID: 28934391, 32909676). The frequency data for this variant in the population databases is considered unreliable, as metrics indicate poor data quality at this position in the gnomAD database. This variant has not been reported in the literature in individuals affected with KIDINS220-related conditions. Algorithms developed to predict the effect of sequence changes on RNA splicing suggest that this variant may disrupt the consensus splice site. In summary, the currently available evidence indicates that the variant is pathogenic, but additional data are needed to prove that conclusively. Therefore, this variant has been classified as Likely Pathogenic.

Literature cited by the submitters: PubMed 16199547; PubMed 28934391; PubMed 32909676.